The following is an entry in ClinVar:

ClinVar aggregate classification (germline): Likely pathogenic (1 of 4 stars; one submission).

Conditions:
Nephronophthisis. Also called: Juvenile Nephronophthisis. Identifiers: Orphanet 655, MedGen C0687120, MONDO:0019005, HP:0000090.

gnomAD v4.1: 4 of 1,613,574 alleles (0.00025%); highest among the groups gnomAD compares: African/African-American, 0.004%; no homozygotes.

Submission:

Labcorp Genetics (formerly Invitae), Labcorp
Classification: Likely pathogenic for Nephronophthisis. Last evaluated: 2026-01-04. Review status: criteria provided, single submitter. Criteria: Invitae Variant Classification Sherloc (09022015). Collection method: clinical testing. Allele origin: germline.
Comment: This sequence change affects a donor splice site in intron 9 of the INVS gene. It is expected to disrupt RNA splicing. Variants that disrupt the donor or acceptor splice site typically lead to a loss of protein function (PMID: 16199547), and loss-of-function variants in INVS are known to be pathogenic (PMID: 12872123). This variant is not present in population databases (gnomAD no frequency). This variant has not been reported in the literature in individuals affected with INVS-related conditions. ClinVar contains an entry for this variant (Variation ID: 2722198). Algorithms developed to predict the effect of sequence changes on RNA splicing suggest that this variant may disrupt the consensus splice site. In summary, the currently available evidence indicates that the variant is pathogenic, but additional data are needed to prove that conclusively. Therefore, this variant has been classified as Likely Pathogenic.

Literature cited by the submitters: PubMed 16199547; PubMed 12872123.

NM_014425.5(INVS):c.1234+2T>G

Gene: INVS (inversin; plus strand). Cytogenetic location: 9q31.1.
Variant type: single nucleotide variant.
Coding change: c.1234+2T>G on transcript NM_014425.5 (MANE Select); the canonical splice donor site of the intron after coding-DNA position 1234, T replaced by G.
Molecular consequence: splice donor variant.
Genome position (GRCh38, 1-based): chr9:100,252,440, T>G. VCF-style: chr9-100252440-T-G. GRCh37 (hg19) VCF-style: chr9-103014722-T-G.
Other names: c.946+2T>G (NM_001318381.2); c.256+2T>G (NM_001318382.2).
Identifiers: ClinVar variation 2722198 (VCV002722198.3), dbSNP rs985435686, ClinGen allele CA197187555.